The following is an entry in ClinVar:

ClinVar aggregate classification (germline): Uncertain significance (1 of 4 stars; one submission).

Conditions:
Developmental and epileptic encephalopathy, 27 (DEE27). Also called: GRIN2B-Related Neurodevelopmental Disorder; Epileptic encephalopathy, early infantile, 27. Identifiers: Orphanet 3451, MedGen C4015316, MONDO:0014505, OMIM 616139.

Submission:

Institute of Human Genetics, University of Leipzig Medical Center
Classification: Uncertain significance for Developmental and epileptic encephalopathy, 27. Last evaluated: 2023-03-08. Review status: criteria provided, single submitter. Criteria: ACMG Guidelines, 2015. Collection method: clinical testing. Allele origin: unknown. Affected: yes.
Comment: Despite strong evidence for its pathogenicity, this variant has to be classified as of unknown significance, according to the ACMG-criteria (Richards et al., 2015)_x000D_ Criteria applied: PM2_SUP, PM5_SUP, PP2, PP3

NM_000834.5(GRIN2B):c.1648T>C (p.Phe550Leu)

Gene: GRIN2B (glutamate ionotropic receptor NMDA type subunit 2B; minus strand). Cytogenetic location: 12p13.1.
Variant type: single nucleotide variant.
Coding change: c.1648T>C on transcript NM_000834.5 (MANE Select); coding-DNA position 1648, T replaced by C.
Protein change: p.Phe550Leu; replaces phenylalanine 550 with leucine.
Molecular consequence: missense variant.
Genome position (GRCh38, 1-based): chr12:13,615,120, A>G on the plus strand (T>C on the coding strand, the complement: GRIN2B is on the minus strand). VCF-style: chr12-13615120-A-G. GRCh37 (hg19) VCF-style: chr12-13768054-A-G.
Other names: c.1648T>C, p.Phe550Leu (NM_001413992.1); short protein forms F550L.
Identifiers: ClinVar variation 2500356 (VCV002500356.1), dbSNP rs2497597825, ClinGen allele CA384051682.